The following is an entry in ClinVar:

NM_001458.5(FLNC):c.5590G>A (p.Ala1864Thr)

Genes: FLNC (filamin C; plus strand), FLNC-AS1 (FLNC antisense RNA 1; minus strand). Cytogenetic location: 7q32.1.
Variant type: single nucleotide variant.
Coding change: c.5590G>A on transcript NM_001458.5 (MANE Select); coding-DNA position 5590, G replaced by A.
Protein change: p.Ala1864Thr; replaces alanine 1864 with threonine.
Molecular consequence: missense variant.
Genome position (GRCh38, 1-based): chr7:128,851,282, G>A. VCF-style: chr7-128851282-G-A. GRCh37 (hg19) VCF-style: chr7-128491336-G-A.
Other names: c.5491G>A, p.Ala1831Thr (NM_001127487.2); short protein forms A1831T, A1864T.
Identifiers: ClinVar variation 3754849 (VCV003754849.2).

ClinVar aggregate classification (germline): Uncertain significance (1 of 4 stars; one submission).

Conditions:
Myofibrillar myopathy 5. Also called: Filaminopathy (type); FILAMINOPATHY, AUTOSOMAL DOMINANT. Identifiers: Orphanet 171445, MedGen C1836050, MONDO:0012289, OMIM 609524.
Distal myopathy with posterior leg and anterior hand involvement. Also called: WILLIAMS DISTAL MYOPATHY. Identifiers: Orphanet 63273, MedGen C3279722, MONDO:0013550, OMIM 614065.
Hypertrophic cardiomyopathy 26. Also called: Cardiomyopathy, familial hypertrophic, 26. Identifiers: Orphanet 75249, MedGen C4310749, MONDO:0014883, OMIM 617047.

Submission:

Labcorp Genetics (formerly Invitae), Labcorp
Classification: Uncertain significance for Distal myopathy with posterior leg and anterior hand involvement; Myofibrillar myopathy 5; Hypertrophic cardiomyopathy 26. Last evaluated: 2024-02-21. Review status: criteria provided, single submitter. Criteria: Invitae Variant Classification Sherloc (09022015). Collection method: clinical testing. Allele origin: germline.
Comment: This sequence change replaces alanine, which is neutral and non-polar, with threonine, which is neutral and polar, at codon 1864 of the FLNC protein (p.Ala1864Thr). This variant is not present in population databases (gnomAD no frequency). This variant has not been reported in the literature in individuals affected with FLNC-related conditions. Advanced modeling of protein sequence and biophysical properties (such as structural, functional, and spatial information, amino acid conservation, physicochemical variation, residue mobility, and thermodynamic stability) has been performed at Invitae for this missense variant, however the output from this modeling did not meet the statistical confidence thresholds required to predict the impact of this variant on FLNC protein function. In summary, the available evidence is currently insufficient to determine the role of this variant in disease. Therefore, it has been classified as a Variant of Uncertain Significance.